The following is an entry in ClinVar:

NM_024928.5(STN1):c.976C>T (p.His326Tyr)

Gene: STN1 (STN1 subunit of CST complex; minus strand). Cytogenetic location: 10q24.33.
Variant type: single nucleotide variant.
Coding change: c.976C>T on transcript NM_024928.5 (MANE Select); coding-DNA position 976, C replaced by T.
Protein change: p.His326Tyr; replaces histidine 326 with tyrosine.
Molecular consequence: missense variant.
Genome position (GRCh38, 1-based): chr10:103,882,815, G>A on the plus strand (C>T on the coding strand, the complement: STN1 is on the minus strand). VCF-style: chr10-103882815-G-A. GRCh37 (hg19) VCF-style: chr10-105642573-G-A.
Other names: short protein forms H326Y.
Identifiers: ClinVar variation 1505650 (VCV001505650.8), dbSNP rs1843079246, ClinGen allele CA378042877.
Genomic context (GRCh38, chr10:103,882,815, plus strand): 5'-GCTGCAGCACAGCCTCGCTCAGGCCCGGGCGGATGCTCAGGCGAGCACAGGCCAAGATGT[G>A]CAGGAAGTGACAGCCCTTCTCCATGTCTGCAGGAAAAAGGTAGGTGGCTGAGTGTGGACA-3'
Protein context (NP_079204.2, residues 316-336): NHMEKGCHFL[His326Tyr]ILACARLSIR

ClinVar aggregate classification (germline): Uncertain significance (1 of 4 stars; one submission).

Allele frequency attached by ClinVar (database versions not stated): TOPMed below 0.00001.
gnomAD v4.1: 1 of 1,613,416 alleles (0.000062%); highest among the groups gnomAD compares: African/African-American, 0.0013%; no homozygotes.

Submission:

Labcorp Genetics (formerly Invitae), Labcorp
Classification: Uncertain significance. Last evaluated: 2020-12-04. Review status: criteria provided, single submitter. Criteria: Invitae Variant Classification Sherloc (09022015). Collection method: clinical testing. Allele origin: germline.
Comment: This variant is not present in population databases (ExAC no frequency). This variant has not been reported in the literature in individuals with STN1-related conditions. Algorithms developed to predict the effect of missense changes on protein structure and function are either unavailable or do not agree on the potential impact of this missense change (SIFT: "Deleterious"; PolyPhen-2: "Possibly Damaging"; Align-GVGD: "Class C0"). In summary, the available evidence is currently insufficient to determine the role of this variant in disease. Therefore, it has been classified as a Variant of Uncertain Significance. This sequence change replaces histidine with tyrosine at codon 326 of the STN1 protein (p.His326Tyr). The histidine residue is highly conserved and there is a moderate physicochemical difference between histidine and tyrosine.